The following is an entry in ClinVar:

NM_000435.3(NOTCH3):c.4650C>T (p.His1550=)

Gene: NOTCH3 (notch receptor 3; minus strand). Cytogenetic location: 19p13.12.
Variant type: single nucleotide variant.
Coding change: c.4650C>T on transcript NM_000435.3 (MANE Select); coding-DNA position 4650, C replaced by T.
Protein change: p.His1550=; no amino-acid change (histidine 1550 retained).
Molecular consequence: synonymous variant.
Genome position (GRCh38, 1-based): chr19:15,174,154, G>A on the plus strand (C>T on the coding strand, the complement: NOTCH3 is on the minus strand). VCF-style: chr19-15174154-G-A. GRCh37 (hg19) VCF-style: chr19-15284965-G-A.
Identifiers: ClinVar variation 2649433 (VCV002649433.26), dbSNP rs762953416, ClinGen allele CA9262877.

ClinVar aggregate classification (germline): Likely benign. Review status: criteria provided, multiple submitters, no conflicts (2 of 4 stars). 2 submissions from 2 submitters: Likely benign (2). Last evaluated 2024-03-09.

Allele frequency attached by ClinVar (database versions not stated): gnomAD 0.00002; TOPMed 0.00003; ExAC 0.00004; gnomAD exomes 0.00004.

Submissions (2):

Labcorp Genetics (formerly Invitae), Labcorp
Classification: Likely benign. Last evaluated: 2024-03-09. Review status: criteria provided, single submitter. Criteria: Invitae Variant Classification Sherloc (09022015). Collection method: clinical testing. Allele origin: germline.

CeGaT Center for Human Genetics Tuebingen
Classification: Likely benign. Last evaluated: 2023-02-01. Review status: criteria provided, single submitter. Criteria: CeGaT Center For Human Genetics Tuebingen Variant Classification Criteria Version 2. Collection method: clinical testing. Allele origin: germline. Affected: yes. Observed: 1 variant allele.
Comment: NOTCH3: BP4, BP7